The following is an entry in ClinVar:

NM_000368.5(TSC1):c.3109G>A (p.Gly1037Ser)

Gene: TSC1 (TSC complex subunit 1; minus strand). Cytogenetic location: 9q34.13.
Variant type: single nucleotide variant.
Coding change: c.3109G>A on transcript NM_000368.5 (MANE Select); coding-DNA position 3109, G replaced by A.
Protein change: p.Gly1037Ser; replaces glycine 1037 with serine.
Molecular consequence: missense variant. On other transcripts: non-coding transcript variant (5).
Genome position (GRCh38, 1-based): chr9:132,896,621, C>T on the plus strand (G>A on the coding strand, the complement: TSC1 is on the minus strand). VCF-style: chr9-132896621-C-T. GRCh37 (hg19) VCF-style: chr9-135772008-C-T.
Other names: c.3106G>A, p.Gly1036Ser (NM_001162426.2, NM_001406597.1, NM_001406598.1 and 2 more transcripts); c.2956G>A, p.Gly986Ser (NM_001162427.2, NM_001406610.1); c.2746G>A, p.Gly916Ser (NM_001362177.2, NM_001406614.1, NM_001406615.1 and 4 more transcripts); c.3109G>A, p.Gly1037Ser (NM_001406592.1, NM_001406593.1, NM_001406594.1 and 2 more transcripts); c.2953G>A, p.Gly985Ser (NM_001406612.1, NM_001406611.1); c.2911G>A, p.Gly971Ser (NM_001406613.1); c.2743G>A, p.Gly915Ser (NM_001406620.1, NM_001406621.1, NM_001406622.1 and 1 more transcripts); c.3094G>A, p.Gly1032Ser (NM_001406601.1, NM_001406602.1); and 8 more; short protein forms G686S, G719S, G1031S, G1036S, G1037S, G901S, G916S, G1022S.
Identifiers: ClinVar variation 2625215 (VCV002625215.3), dbSNP rs952963572, ClinGen allele CA200925628.

ClinVar aggregate classification (germline): Uncertain significance. Review status: criteria provided, multiple submitters, no conflicts (2 of 4 stars). 2 submissions from 2 submitters: Uncertain significance (2). Last evaluated 2024-02-28.

Conditions:
Isolated focal cortical dysplasia type II (FCORD2). Also called: Focal cortical dysplasia type II; CORTICAL DYSPLASIA OF TAYLOR. Identifiers: Orphanet 268994, MedGen C1846385, MONDO:0011818, OMIM 607341, HP:0032051.
Lymphangiomyomatosis (LAM). Also called: Lymphangioleiomyomatosis; Lymphangioleiomyomatosis, somatic. Identifiers: Orphanet 538, MedGen C0751674, MONDO:0011705, OMIM 606690.
Tuberous sclerosis 1 (TSC1). Identifiers: Orphanet 805, MedGen C1854465, MONDO:0008612, OMIM 191100.
Hereditary cancer-predisposing syndrome. Also called: Tumor predisposition; Neoplastic Syndromes, Hereditary; Hereditary Cancer Syndrome; Hereditary neoplastic syndrome. Identifiers: Orphanet 140162, MedGen C0027672, MeSH D009386, MONDO:0015356.

gnomAD v4.1: 1 of 1,613,648 alleles (0.000062%); highest among the groups gnomAD compares: East Asian, 0.0022%; no homozygotes.

Submissions (2):

Fulgent Genetics
Classification: Uncertain significance for Tuberous sclerosis 1; Lymphangiomyomatosis; Isolated focal cortical dysplasia type II. Last evaluated: 2024-02-28. Review status: criteria provided, single submitter. Criteria: ACMG Guidelines, 2015. Collection method: clinical testing. Allele origin: germline.

Ambry Genetics
Classification: Uncertain significance for Hereditary cancer-predisposing syndrome. Last evaluated: 2023-09-05. Review status: criteria provided, single submitter. Criteria: Ambry Variant Classification Scheme 2023. Collection method: clinical testing. Allele origin: germline.
Comment: The p.G1037S variant (also known as c.3109G>A), located in coding exon 21 of the TSC1 gene, results from a G to A substitution at nucleotide position 3109. The glycine at codon 1037 is replaced by serine, an amino acid with similar properties. This amino acid position is conserved. In addition, the in silico prediction for this alteration is inconclusive. Since supporting evidence is limited at this time, the clinical significance of this alteration remains unclear.